The following is an entry in ClinVar:

ClinVar aggregate classification (germline): Conflicting classifications of pathogenicity. Review status: criteria provided, conflicting classifications (1 of 4 stars). 13 submissions from 13 submitters: Uncertain significance (1); Benign (2); Likely benign (6). 4 of the submissions do not count toward it. Last evaluated 2026-06-10.

Conditions:
BRCA2-related disorder. Also called: BRCA2-related condition; BRCA2-related disorders. Identifiers: MedGen CN239275.
Breast and/or ovarian cancer. Identifiers: MedGen CN221562.
Hereditary cancer-predisposing syndrome. Also called: Neoplastic Syndromes, Hereditary; Tumor predisposition; Hereditary neoplastic syndrome; Hereditary Cancer Syndrome. Identifiers: Orphanet 140162, MedGen C0027672, MeSH D009386, MONDO:0015356.
Hereditary breast ovarian cancer syndrome. Also called: Hereditary breast and ovarian cancer syndrome (HBOC); Hereditary breast and ovarian cancer syndrome; Breast and ovarian cancer; Hereditary breast and ovarian cancer; Hereditary breast and/or ovarian cancer syndrome; BRCA1- and BRCA2-Associated Hereditary Breast and Ovarian Cancer. Identifiers: Orphanet 145, MedGen C0677776, MeSH D061325, MONDO:0003582. Disease mechanism: loss of function.
Breast-ovarian cancer, familial, susceptibility to, 2 (BROVCA2). Also called: BRCA2 Hereditary Breast and Ovarian Cancer. Identifiers: Orphanet 145, MedGen C2675520, MONDO:0012933, OMIM 612555. Disease mechanism: loss of function.

Allele frequency attached by ClinVar (database versions not stated): TOPMed 0.00002; ExAC 0.00003; gnomAD exomes 0.00002 and 0.00005.
gnomAD v4.1: 27 of 1,609,634 alleles (0.0017%); highest among the groups gnomAD compares: South Asian, 0.0034%; no homozygotes.

Submissions (13):

Women's Health and Genetics/Laboratory Corporation of America, LabCorp
Classification: Likely benign. Last evaluated: 2026-06-10. Review status: criteria provided, single submitter. Criteria: LabCorp Variant Classification Summary - May 2015. Collection method: clinical testing. Allele origin: germline.
Comment: Variant summary: BRCA2 c.2716A>G (p.Thr906Ala) results in a non-conservative amino acid change in the encoded protein sequence. Algorithms developed to predict the effect of missense changes on protein structure and function are either unavailable or do not agree on the potential impact of this missense change. The variant allele was found at a frequency of 2.8e-05 in 250434 control chromosomes. The available data on variant occurrences in the general population are insufficient to allow any conclusion about variant significance. c.2716A>G has been observed as a non-informative genotype in at-least one patient with Ovarian adenocarcinoma (Aref-Eshghi_2020). This report however, does not provide unequivocal conclusions about association of the variant with Hereditary Breast and Ovarian Cancer Syndrome. At-least one co-occurrence with another pathogenic variant has been reported (BRCA1 c.3664G>T, p.Glu1222X), providing supporting evidence for a benign role. To our knowledge, no experimental evidence demonstrating an impact on protein function has been reported. The following publications have been ascertained in the context of this evaluation (PMID: 32483276, 31837001, 23929434). ClinVar contains an entry for this variant (Variation ID: 37798). Based on the evidence outlined above, the variant was classified as likely benign.

Labcorp Genetics (formerly Invitae), Labcorp
Classification: Likely benign for Hereditary breast ovarian cancer syndrome. Last evaluated: 2026-02-01. Review status: criteria provided, single submitter. Criteria: Invitae Variant Classification Sherloc (09022015). Collection method: clinical testing. Allele origin: germline.

All of Us Research Program, National Institutes of Health
Classification: Benign for Breast-ovarian cancer, familial, susceptibility to, 2. Last evaluated: 2023-11-30. Review status: criteria provided, single submitter. Criteria: ACMG Guidelines, 2015. Collection method: clinical testing. Allele origin: germline. Inheritance: Autosomal dominant inheritance. Observed: 7 variant alleles, 7 heterozygotes.
Comment: This study involves interpretation of variants in research participants for the purpose of population health screening. Participant phenotype was not available at the time of variant classification. Additional details can be found in publication PMID: 35346344, PMCID: PMC8962531

Quest Diagnostics Nichols Institute San Juan Capistrano
Classification: Uncertain significance. Last evaluated: 2023-05-03. Review status: criteria provided, single submitter. Criteria: Quest Diagnostics criteria. Collection method: clinical testing. Allele origin: unknown.
Comment: The frequency of this variant in the general population, 0.000045 (5/112094 chromosomes), is uninformative in assessment of its pathogenicity. In a large-scale breast cancer association study, the variant was observed in 8 individuals with breast cancer (PMID: 33471991 (2021), see also LOVD). The variant has also been reported as somatic variant in an ovarian cancer tumor (PMID: 32483276 (2020)) as well as in an unaffected individual (PMID: 31837001 (2020)). Analysis of this variant using bioinformatics tools for the prediction of the effect of amino acid changes on protein structure and function yielded predictions that this variant is benign. Based on the available information, we are unable to determine the clinical significance of this variant.

Sema4
Classification: Likely benign for Hereditary cancer-predisposing syndrome. Last evaluated: 2021-12-20. Review status: criteria provided, single submitter. Criteria: Sema4 Curation Guidelines. Collection method: curation. Allele origin: germline.

CHEO Genetics Diagnostic Laboratory, Children's Hospital of Eastern Ontario
Classification: Likely benign for Breast and/or ovarian cancer. Last evaluated: 2021-11-10. Review status: criteria provided, single submitter. Criteria: ACMG Guidelines, 2015. Collection method: clinical testing. Allele origin: germline. Study: Canadian Open Genetics Repository.

GeneDx
Classification: Likely benign. Last evaluated: 2020-12-23. Review status: criteria provided, single submitter. Criteria: GeneDx Variant Classification Process June 2021. Collection method: clinical testing. Allele origin: germline. Affected: yes.

Ambry Genetics
Classification: Likely benign for Hereditary cancer-predisposing syndrome. Last evaluated: 2018-10-04. Review status: criteria provided, single submitter. Criteria: Ambry Variant Classification Scheme 2023. Collection method: clinical testing. Allele origin: germline.

Color Diagnostics, LLC DBA Color Health
Classification: Benign for Hereditary cancer-predisposing syndrome. Last evaluated: 2016-06-30. Review status: criteria provided, single submitter. Criteria: ACMG Guidelines, 2015. Collection method: clinical testing. Allele origin: germline.

PreventionGenetics, part of Exact Sciences
Classification: Likely benign for BRCA2-related condition. Last evaluated: 2019-05-14. Review status: no assertion criteria provided. Collection method: clinical testing. Allele origin: germline. Not counted in ClinVar's aggregate classification.
Comment: This variant is classified as likely benign based on ACMG/AMP sequence variant interpretation guidelines (Richards et al. 2015 PMID: 25741868, with internal and published modifications).

Sharing Clinical Reports Project (SCRP)
Classification: Benign for Breast-ovarian cancer, familial 2. Last evaluated: 2012-06-22. Review status: no assertion criteria provided. Collection method: clinical testing. Allele origin: germline. Not counted in ClinVar's aggregate classification.

Breast Cancer Information Core (BIC) (BRCA2)
Classification: Uncertain significance for Breast-ovarian cancer, familial 2. Last evaluated: 2002-05-29. Review status: no assertion criteria provided. Collection method: clinical testing. Allele origin: germline. Affected: yes. Observed: 3 variant alleles. Not counted in ClinVar's aggregate classification.

Department of Pathology and Laboratory Medicine, Sinai Health System
Classification: Likely benign for Breast-ovarian cancer, familial, susceptibility to, 2. Review status: no assertion criteria provided. Collection method: clinical testing. Allele origin: unknown. Affected: yes. Observed: 3 variant alleles. Study: The Canadian Open Genetics Repository (COGR). Not counted in ClinVar's aggregate classification.
Comment: The BRCA2 p.Thr906Ala variant was not identified in the literature, nor was it identified in the NHLBI Exome Sequencing Project (Exome Variant Server), HGMD, UMD, or LOVD databases. The variant was listed in dbSNP (ID: rs80358528) â€šÃ„ÃºWith non-pathogenic alleleâ€šÃ„Ã¹; however, no frequency information was provided, thus the prevalence of this variant in the general population could not be determined. The variant was identified in the BIC database 3X as a variant with unknown clinical importance, and was classified as a benign variant by the Sharing Clinical Reports Project (SCRP) (submitted within the ClinVar database and derived from Myriad reports). The p.Thr906 residue is not conserved across mammals and lower organisms, and computational analyses (PolyPhen-2, SIFT, AlignGVGD, MutationTaster) do not suggest a high likelihood of impact to the protein. However, this information is not predictive enough to rule out pathogenicity. In summary, based on the above information, the clinical significance of this variant cannot be determined with certainty at this time although we would lean towards a more benign role for this variant. This variant is classified as predicted benign.

Literature cited by the submitters: PubMed 23929434 (cited by Women's Health and Genetics/Laboratory Corporation of America, LabCorp and Quest Diagnostics Nichols Institute San Juan Capistrano); PubMed 32483276 (cited by Women's Health and Genetics/Laboratory Corporation of America, LabCorp and Quest Diagnostics Nichols Institute San Juan Capistrano); PubMed 31837001 (cited by 3 submitters); PubMed 33471991 (cited by Quest Diagnostics Nichols Institute San Juan Capistrano and Sema4).

NM_000059.4(BRCA2):c.2716A>G (p.Thr906Ala)

Gene: BRCA2 (BRCA2 DNA repair associated; plus strand). Cytogenetic location: 13q13.1.
Variant type: single nucleotide variant.
Coding change: c.2716A>G on transcript NM_000059.4 (MANE Select); coding-DNA position 2716, A replaced by G.
Protein change: p.Thr906Ala; replaces threonine 906 with alanine.
Molecular consequence: missense variant.
Genome position (GRCh38, 1-based): chr13:32,337,071, A>G. VCF-style: chr13-32337071-A-G. GRCh37 (hg19) VCF-style: chr13-32911208-A-G.
Other names: p.T906A:ACT>GCT; 2944A>G; short protein forms T906A.
Identifiers: ClinVar variation 37798 (VCV000037798.32), dbSNP rs80358528, ClinGen allele CA016160.
Genomic context (GRCh38, chr13:32,337,071, plus strand): 5'-AATGAGAATAATTTTGTCTTCCAAGTAGCTAATGAAAGGAATAATCTTGCTTTAGGAAAT[A>G]CTAAGGAACTTCATGAAACAGACTTGACTTGTGTAAACGAACCCATTTTCAAGAACTCTA-3'
Protein context (NP_000050.3, residues 896-916): NERNNLALGN[Thr906Ala]KELHETDLTC